The following is an entry in ClinVar:

NM_004260.4(RECQL4):c.847G>C (p.Gly283Arg)

Gene: RECQL4 (RecQ like helicase 4; minus strand). Cytogenetic location: 8q24.3.
Variant type: single nucleotide variant.
Coding change: c.847G>C on transcript NM_004260.4 (MANE Select); coding-DNA position 847, G replaced by C.
Protein change: p.Gly283Arg; replaces glycine 283 with arginine.
Molecular consequence: missense variant. On other transcripts: 5 prime UTR variant (17), non-coding transcript variant (3).
Genome position (GRCh38, 1-based): chr8:144,516,272, C>G on the plus strand (G>C on the coding strand, the complement: RECQL4 is on the minus strand). VCF-style: chr8-144516272-C-G. GRCh37 (hg19) VCF-style: chr8-145741656-C-G.
Other names: c.-129G>C (NM_001413034.1); c.-225G>C (NM_001413035.1, NM_001413037.1, NM_001413038.1 and 7 more transcripts); c.847G>C, p.Gly283Arg (NM_001413036.1, NM_001413039.1, NM_001413020.1 and 4 more transcripts); c.-287G>C (NM_001413041.1, NM_001413027.1, NM_001413030.1 and 2 more transcripts); c.-494G>C (NM_001413043.1); c.718G>C, p.Gly240Arg (NM_001413025.1); c.496G>C, p.Gly166Arg (NM_001413029.1); c.847G>C (NM_004260.3); short protein forms G240R, G166R, G283R.
Identifiers: ClinVar variation 2902379 (VCV002902379.4), dbSNP rs2130721404, ClinGen allele CA372688964.
Genomic context (GRCh38, chr8:144,516,272, plus strand): 5'-CAGGTTCCCCTGGAGGGTCTTCCTCAACTGCTACAGCCCCAGCCCCCTCCGATGGGGGTC[C>G]AGCTTGGCTGCTCTCCTGCTGGACCTGTGCGGGGCTCTCCCAGGGCTCCTCGTTCCATCT-3'
Protein context (NP_004251.4, residues 273-293): AQVQQESSQA[Gly283Arg]PPSEGAGAVA

ClinVar aggregate classification (germline): Conflicting classifications of pathogenicity. Review status: criteria provided, conflicting classifications (1 of 4 stars). 2 submissions from 2 submitters: Uncertain significance (1); Likely benign (1). Last evaluated 2025-11-05.

Conditions:
Baller-Gerold syndrome (BGS). Also called: CRANIOSYNOSTOSIS WITH RADIAL DEFECTS. Identifiers: Orphanet 1225, MedGen C0265308, MONDO:0009039, OMIM 218600.
Inborn genetic diseases. Identifiers: MedGen C0950123, MeSH D030342.

Allele frequency attached by ClinVar (database versions not stated): gnomAD exomes below 0.00001.
gnomAD v4.1: 2 of 1,611,884 alleles (0.00012%); highest among the groups gnomAD compares: Non-Finnish European, 0.00017%; no homozygotes.

Submissions (2):

Ambry Genetics
Classification: Uncertain significance for Inborn genetic diseases. Last evaluated: 2025-11-05. Review status: criteria provided, single submitter. Criteria: Ambry Variant Classification Scheme 2023. Collection method: clinical testing. Allele origin: germline.
Comment: The p.G283R variant (also known as c.847G>C), located in coding exon 5 of the RECQL4 gene, results from a G to C substitution at nucleotide position 847. The glycine at codon 283 is replaced by arginine, an amino acid with dissimilar properties. This amino acid position is conserved. In addition, this alteration is predicted to be tolerated by in silico analysis. Based on the available evidence, the clinical significance of this variant remains unclear.

Labcorp Genetics (formerly Invitae), Labcorp
Classification: Likely benign for Baller-Gerold syndrome. Last evaluated: 2023-06-30. Review status: criteria provided, single submitter. Criteria: Invitae Variant Classification Sherloc (09022015). Collection method: clinical testing. Allele origin: germline.